The following is an entry in ClinVar:

NM_024306.5(FA2H):c.722A>C (p.Lys241Thr)

Gene: FA2H (fatty acid 2-hydroxylase; minus strand). Cytogenetic location: 16q23.1.
Variant type: single nucleotide variant.
Coding change: c.722A>C on transcript NM_024306.5 (MANE Select); coding-DNA position 722, A replaced by C.
Protein change: p.Lys241Thr; replaces lysine 241 with threonine.
Molecular consequence: missense variant.
Genome position (GRCh38, 1-based): chr16:74,719,052, T>G on the plus strand (A>C on the coding strand, the complement: FA2H is on the minus strand). VCF-style: chr16-74719052-T-G. GRCh37 (hg19) VCF-style: chr16-74752950-T-G.
Other names: p.Lys241Thr; short protein forms K241T.
Identifiers: ClinVar variation 2683374 (VCV002683374.1), dbSNP rs2544316546, ClinGen allele CA396769494.

ClinVar aggregate classification (germline): Uncertain significance (1 of 4 stars; one submission).

Allele frequency attached by ClinVar (database versions not stated): gnomAD exomes below 0.00001.
gnomAD v4.1: 2 of 1,613,902 alleles (0.00012%); highest among the groups gnomAD compares: Non-Finnish European, 0.00017%; no homozygotes.

Submission:

Mayo Clinic Laboratories, Mayo Clinic
Classification: Uncertain significance. Last evaluated: 2022-10-13. Review status: criteria provided, single submitter. Criteria: ACMG Guidelines, 2015. Collection method: clinical testing. Allele origin: germline. Observed: 1 variant allele.
Comment: PM2